The following is an entry in ClinVar:

ClinVar aggregate classification (germline): Uncertain significance (1 of 4 stars; one submission).

Conditions:
Hereditary cancer-predisposing syndrome. Also called: Tumor predisposition; Hereditary Cancer Syndrome; Neoplastic Syndromes, Hereditary; Hereditary neoplastic syndrome. Identifiers: Orphanet 140162, MedGen C0027672, MeSH D009386, MONDO:0015356.

Submission:

Ambry Genetics
Classification: Uncertain significance for Hereditary cancer-predisposing syndrome. Last evaluated: 2022-08-16. Review status: criteria provided, single submitter. Criteria: Ambry Variant Classification Scheme 2023. Collection method: clinical testing. Allele origin: germline.
Comment: The p.M851V variant (also known as c.2551A>G), located in coding exon 25 of the RB1 gene, results from an A to G substitution at nucleotide position 2551. The methionine at codon 851 is replaced by valine, an amino acid with highly similar properties. This amino acid position is conserved. In addition, this alteration is predicted to be deleterious by in silico analysis. Since supporting evidence is limited at this time, the clinical significance of this alteration remains unclear.

NM_000321.3(RB1):c.2551A>G (p.Met851Val)

Gene: RB1 (RB transcriptional corepressor 1; plus strand). Cytogenetic location: 13q14.2.
Variant type: single nucleotide variant.
Coding change: c.2551A>G on transcript NM_000321.3 (MANE Select); coding-DNA position 2551, A replaced by G.
Protein change: p.Met851Val; replaces methionine 851 with valine.
Molecular consequence: missense variant.
Genome position (GRCh38, 1-based): chr13:48,476,731, A>G. VCF-style: chr13-48476731-A-G. GRCh37 (hg19) VCF-style: chr13-49050867-A-G.
Other names: c.2551A>G, p.Met851Val (NM_001407165.1); c.1A>G, p.Met1Val (NM_001407168.1); short protein forms M1V, M851V.
Identifiers: ClinVar variation 1792952 (VCV001792952.2), dbSNP rs2138359026, ClinGen allele CA388168253.